The following is an entry in ClinVar:

ClinVar aggregate classification (germline): Uncertain significance (1 of 4 stars; one submission).

Conditions:
Coloboma, ocular, with or without hearing impairment, cleft lip/palate, and/or impaired intellectual development. Also called: Uveal coloboma-cleft lip and palate-intellectual disability. Identifiers: Orphanet 1473, MedGen C3805432, MONDO:0007355, OMIM 120433.

Submission:

Institute of Human Genetics, University of Leipzig Medical Center
Classification: Uncertain significance for Coloboma, ocular, with or without hearing impairment, cleft lip/palate, and/or impaired intellectual development. Last evaluated: 2025-11-05. Review status: criteria provided, single submitter. Criteria: ACMG Guidelines, 2015. Collection method: clinical testing. Allele origin: unknown. Inheritance: Autosomal dominant inheritance. Affected: yes.
Comment: Criteria applied: PM2_MOD,PM4,PP3

NM_001130145.3(YAP1):c.985-1G>C

Gene: YAP1 (Yes1 associated transcriptional regulator; plus strand). Cytogenetic location: 11q22.1.
Variant type: single nucleotide variant.
Coding change: c.985-1G>C on transcript NM_001130145.3 (MANE Select); the canonical splice acceptor site of the intron before coding-DNA position 985, G replaced by C.
Molecular consequence: splice acceptor variant. On other transcripts: intron variant (4).
Genome position (GRCh38, 1-based): chr11:102,209,516, G>C. VCF-style: chr11-102209516-G-C. GRCh37 (hg19) VCF-style: chr11-102080247-G-C.
Other names: c.997-1G>C (NM_001282101.2); c.996+3430G>C (NM_001282100.2); c.984+3442G>C (NM_001195044.2); c.883-1G>C (NM_001282099.2); c.882+3430G>C (NM_001282098.2); c.871-1G>C (NM_001282097.2); c.870+3442G>C (NM_006106.5); c.451-1G>C (NM_001195045.2).
Identifiers: ClinVar variation 4533300 (VCV004533300.1).